The following is an entry in ClinVar:

ClinVar aggregate classification (germline): Uncertain significance. Review status: criteria provided, multiple submitters, no conflicts (2 of 4 stars). 2 submissions from 2 submitters: Uncertain significance (2). Last evaluated 2025-09-02.

Conditions:
Hereditary cancer-predisposing syndrome. Also called: Tumor predisposition; Hereditary neoplastic syndrome; Hereditary Cancer Syndrome; Neoplastic Syndromes, Hereditary. Identifiers: Orphanet 140162, MedGen C0027672, MeSH D009386, MONDO:0015356.

gnomAD v4.1: 1 of 1,613,806 alleles (0.000062%); highest among the groups gnomAD compares: Non-Finnish European, 0.000085%; no homozygotes.

Submissions (2):

Labcorp Genetics (formerly Invitae), Labcorp
Classification: Uncertain significance. Last evaluated: 2025-09-02. Review status: criteria provided, single submitter. Criteria: Invitae Variant Classification Sherloc (09022015). Collection method: clinical testing. Allele origin: germline.
Comment: This sequence change replaces isoleucine, which is neutral and non-polar, with valine, which is neutral and non-polar, at codon 1872 of the POLE protein (p.Ile1872Val). This variant is not present in population databases (gnomAD no frequency). This variant has not been reported in the literature in individuals affected with POLE-related conditions. ClinVar contains an entry for this variant (Variation ID: 1461211). Invitae Evidence Modeling of protein sequence and biophysical properties (such as structural, functional, and spatial information, amino acid conservation, physicochemical variation, residue mobility, and thermodynamic stability) indicates that this missense variant is not expected to disrupt POLE protein function with a negative predictive value of 80%. In summary, the available evidence is currently insufficient to determine the role of this variant in disease. Therefore, it has been classified as a Variant of Uncertain Significance.

Ambry Genetics
Classification: Uncertain significance for Hereditary cancer-predisposing syndrome. Last evaluated: 2023-09-01. Review status: criteria provided, single submitter. Criteria: Ambry Variant Classification Scheme 2023. Collection method: clinical testing. Allele origin: germline.
Comment: The p.I1872V variant (also known as c.5614A>G), located in coding exon 41 of the POLE gene, results from an A to G substitution at nucleotide position 5614. The isoleucine at codon 1872 is replaced by valine, an amino acid with highly similar properties. This amino acid position is conserved. In addition, this alteration is predicted to be tolerated by in silico analysis. Since supporting evidence is limited at this time, the clinical significance of this alteration remains unclear.

NM_006231.4(POLE):c.5614A>G (p.Ile1872Val)

Gene: POLE (DNA polymerase epsilon, catalytic subunit; minus strand). Cytogenetic location: 12q24.33.
Variant type: single nucleotide variant.
Coding change: c.5614A>G on transcript NM_006231.4 (MANE Select); coding-DNA position 5614, A replaced by G.
Protein change: p.Ile1872Val; replaces isoleucine 1872 with valine.
Molecular consequence: missense variant.
Genome position (GRCh38, 1-based): chr12:132,638,078, T>C on the plus strand (A>G on the coding strand, the complement: POLE is on the minus strand). VCF-style: chr12-132638078-T-C. GRCh37 (hg19) VCF-style: chr12-133214664-T-C.
Other names: c.5614A>G (NM_006231.2); short protein forms I1872V.
Identifiers: ClinVar variation 1461211 (VCV001461211.7), dbSNP rs1401309769, ClinGen allele CA387374096.